The following is an entry in ClinVar:

NM_206933.4(USH2A):c.7924A>G (p.Ile2642Val)

Gene: USH2A (usherin; minus strand). Cytogenetic location: 1q41.
Variant type: single nucleotide variant.
Coding change: c.7924A>G on transcript NM_206933.4 (MANE Select); coding-DNA position 7924, A replaced by G.
Protein change: p.Ile2642Val; replaces isoleucine 2642 with valine.
Molecular consequence: missense variant.
Genome position (GRCh38, 1-based): chr1:215,888,725, T>C on the plus strand (A>G on the coding strand, the complement: USH2A is on the minus strand). VCF-style: chr1-215888725-T-C. GRCh37 (hg19) VCF-style: chr1-216062067-T-C.
Other names: short protein forms I2642V.
Identifiers: ClinVar variation 1203141 (VCV001203141.11), dbSNP rs143523460, ClinGen allele CA1394715.

ClinVar aggregate classification (germline): Conflicting classifications of pathogenicity. Review status: criteria provided, conflicting classifications (1 of 4 stars). 5 submissions from 5 submitters: Uncertain significance (3); Likely benign (1). 1 of the submissions does not count toward it. Last evaluated 2026-01-15.

Conditions:
Usher syndrome type 2A. Also called: RETINAL DISEASE IN USHER SYNDROME TYPE IIA, MODIFIER OF; USHER SYNDROME, TYPE IIA. Identifiers: Orphanet 231178, Orphanet 886, MedGen C1848634, MONDO:0010169, OMIM 276901.

Allele frequency attached by ClinVar (database versions not stated): gnomAD exomes 0.00001 and 0.00004; ExAC 0.00002; 1000 Genomes Project 30x 0.00016; 1000 Genomes Project 0.00020; ESP Exome Variant Server 0.00008; gnomAD 0.00011 and 0.00012; TOPMed 0.00015.
gnomAD v4.1: 38 of 1,614,138 alleles (0.0024%); highest among the groups gnomAD compares: African/African-American, 0.045%; no homozygotes.

Submissions (5):

Labcorp Genetics (formerly Invitae), Labcorp
Classification: Likely benign. Last evaluated: 2026-01-15. Review status: criteria provided, single submitter. Criteria: Invitae Variant Classification Sherloc (09022015). Collection method: clinical testing. Allele origin: germline.

Blueprint Genetics
Classification: Uncertain significance. Last evaluated: 2024-02-27. Review status: criteria provided, single submitter. Criteria: ACMG Guidelines, 2015. Collection method: clinical testing. Allele origin: germline.

Women's Health and Genetics/Laboratory Corporation of America, LabCorp
Classification: Uncertain significance. Last evaluated: 2023-09-22. Review status: criteria provided, single submitter. Criteria: LabCorp Variant Classification Summary - May 2015. Collection method: clinical testing. Allele origin: germline.

GeneDx
Classification: Uncertain significance. Last evaluated: 2021-01-05. Review status: criteria provided, single submitter. Criteria: GeneDx Variant Classification Process June 2021. Collection method: clinical testing. Allele origin: germline. Affected: yes.
Comment: In silico analysis supports that this missense variant does not alter protein structure/function; Has not been previously published as pathogenic or benign to our knowledge

Natera, Inc.
Classification: Uncertain significance for Usher syndrome type 2A. Last evaluated: 2020-08-07. Review status: no assertion criteria provided. Collection method: clinical testing. Allele origin: germline. Not counted in ClinVar's aggregate classification.